The following is an entry in ClinVar:

NM_000059.4(BRCA2):c.7021C>G (p.Arg2341Gly)

Gene: BRCA2 (BRCA2 DNA repair associated; plus strand). Cytogenetic location: 13q13.1.
Variant type: single nucleotide variant.
Coding change: c.7021C>G on transcript NM_000059.4 (MANE Select); coding-DNA position 7021, C replaced by G.
Protein change: p.Arg2341Gly; replaces arginine 2341 with glycine.
Molecular consequence: missense variant.
Genome position (GRCh38, 1-based): chr13:32,354,874, C>G. VCF-style: chr13-32354874-C-G. GRCh37 (hg19) VCF-style: chr13-32929011-C-G.
Other names: short protein forms R2341G.
Identifiers: ClinVar variation 409485 (VCV000409485.15), dbSNP rs41293505, ClinGen allele CA16614207.
Genomic context (GRCh38, chr13:32,354,874, plus strand): 5'-TATATGTGTACTAGTCAATAAACTTATATATTTTCTCCCCATTGCAGCACAACTAAGGAA[C>G]GTCAAGAGATACAGAATCCAAATTTTACCGCACCTGGTCAAGAATTTCTGTCTAAATCTC-3'
Protein context (NP_000050.3, residues 2331-2351): TCVPFRTTKE[Arg2341Gly]QEIQNPNFTA

ClinVar aggregate classification (germline): Uncertain significance. Review status: criteria provided, multiple submitters, no conflicts (2 of 4 stars). 4 submissions from 4 submitters: Uncertain significance (4). Last evaluated 2025-12-13.

Conditions:
Hereditary breast ovarian cancer syndrome. Also called: Hereditary breast and ovarian cancer; Hereditary breast and/or ovarian cancer syndrome; BRCA1- and BRCA2-Associated Hereditary Breast and Ovarian Cancer; Hereditary breast and ovarian cancer syndrome; Hereditary breast and ovarian cancer syndrome (HBOC); Breast and ovarian cancer. Identifiers: Orphanet 145, MedGen C0677776, MeSH D061325, MONDO:0003582. Disease mechanism: loss of function.
Familial cancer of breast. Also called: BREAST CANCER, FAMILIAL; Hereditary breast cancer; hereditary breast carcinoma. Identifiers: Orphanet 227535, MedGen C0346153, MONDO:0016419, OMIM 114480. Disease mechanism: loss of function.
Hereditary cancer-predisposing syndrome. Also called: Tumor predisposition; Hereditary Cancer Syndrome; Hereditary neoplastic syndrome; Neoplastic Syndromes, Hereditary. Identifiers: Orphanet 140162, MedGen C0027672, MeSH D009386, MONDO:0015356.

Submissions (4):

Labcorp Genetics (formerly Invitae), Labcorp
Classification: Uncertain significance for Hereditary breast ovarian cancer syndrome. Last evaluated: 2025-12-13. Review status: criteria provided, single submitter. Criteria: Invitae Variant Classification Sherloc (09022015). Collection method: clinical testing. Allele origin: germline.
Comment: This sequence change replaces arginine, which is basic and polar, with glycine, which is neutral and non-polar, at codon 2341 of the BRCA2 protein (p.Arg2341Gly). This variant is not present in population databases (gnomAD no frequency). This variant has not been reported in the literature in individuals affected with BRCA2-related conditions. ClinVar contains an entry for this variant (Variation ID: 409485). Invitae Evidence Modeling of protein sequence and biophysical properties (such as structural, functional, and spatial information, amino acid conservation, physicochemical variation, residue mobility, and thermodynamic stability) indicates that this missense variant is not expected to disrupt BRCA2 protein function with a negative predictive value of 95%. In summary, the available evidence is currently insufficient to determine the role of this variant in disease. Therefore, it has been classified as a Variant of Uncertain Significance.

Baylor Genetics
Classification: Uncertain significance for Familial cancer of breast. Last evaluated: 2023-09-03. Review status: criteria provided, single submitter. Criteria: ACMG Guidelines, 2015. Collection method: clinical testing. Allele origin: unknown.

GeneDx
Classification: Uncertain significance. Last evaluated: 2023-02-09. Review status: criteria provided, single submitter. Criteria: GeneDx Variant Classification Process June 2021. Collection method: clinical testing. Allele origin: germline. Affected: yes.
Comment: Not observed at significant frequency in large population cohorts (gnomAD); In silico analysis supports that this missense variant does not alter protein structure/function; Has not been previously published as pathogenic or benign to our knowledge; Also known as 7249C>G; This variant is associated with the following publications: (PMID: 29884841, 32377563)

Ambry Genetics
Classification: Uncertain significance for Hereditary cancer-predisposing syndrome. Last evaluated: 2022-03-04. Review status: criteria provided, single submitter. Criteria: Ambry Variant Classification Scheme 2023. Collection method: clinical testing. Allele origin: germline.
Comment: The p.R2341G variant (also known as c.7021C>G), located in coding exon 13 of the BRCA2 gene, results from a C to G substitution at nucleotide position 7021. The arginine at codon 2341 is replaced by glycine, an amino acid with dissimilar properties. This amino acid position is not well conserved in available vertebrate species. In addition, the in silico prediction for this alteration is inconclusive. Since supporting evidence is limited at this time, the clinical significance of this alteration remains unclear.